The following is an entry in ClinVar:

NM_005630.3(SLCO2A1):c.1166G>T (p.Arg389Leu)

Gene: SLCO2A1 (solute carrier organic anion transporter family member 2A1; minus strand). Cytogenetic location: 3q22.1.
Variant type: single nucleotide variant.
Coding change: c.1166G>T on transcript NM_005630.3 (MANE Select); coding-DNA position 1166, G replaced by T.
Protein change: p.Arg389Leu; replaces arginine 389 with leucine.
Molecular consequence: missense variant.
Genome position (GRCh38, 1-based): chr3:133,947,385, C>A on the plus strand (G>T on the coding strand, the complement: SLCO2A1 is on the minus strand). VCF-style: chr3-133947385-C-A. GRCh37 (hg19) VCF-style: chr3-133666229-C-A.
Other names: short protein forms R389L.
Identifiers: ClinVar variation 1518675 (VCV001518675.8), dbSNP rs201539847, ClinGen allele CA354616629.

ClinVar aggregate classification (germline): Uncertain significance (1 of 4 stars; one submission).

Submission:

Labcorp Genetics (formerly Invitae), Labcorp
Classification: Uncertain significance. Last evaluated: 2022-11-15. Review status: criteria provided, single submitter. Criteria: Invitae Variant Classification Sherloc (09022015). Collection method: clinical testing. Allele origin: germline.
Comment: In summary, the available evidence is currently insufficient to determine the role of this variant in disease. Therefore, it has been classified as a Variant of Uncertain Significance. Advanced modeling of protein sequence and biophysical properties (such as structural, functional, and spatial information, amino acid conservation, physicochemical variation, residue mobility, and thermodynamic stability) performed at Invitae indicates that this missense variant is not expected to disrupt SLCO2A1 protein function. ClinVar contains an entry for this variant (Variation ID: 1518675). This variant has not been reported in the literature in individuals affected with SLCO2A1-related conditions. This variant is not present in population databases (gnomAD no frequency). This sequence change replaces arginine, which is basic and polar, with leucine, which is neutral and non-polar, at codon 389 of the SLCO2A1 protein (p.Arg389Leu).